The following is an entry in ClinVar:

ClinVar aggregate classification (germline): Pathogenic (1 of 4 stars; one submission).

Submission:

Labcorp Genetics (formerly Invitae), Labcorp
Classification: Pathogenic. Last evaluated: 2019-10-26. Review status: criteria provided, single submitter. Criteria: Invitae Variant Classification Sherloc (09022015). Collection method: clinical testing. Allele origin: germline.
Comment: This variant has not been reported in the literature in individuals with NSD1-related conditions. This sequence change creates a premature translational stop signal (p.Val1375Glyfs*19) in the NSD1 gene. It is expected to result in an absent or disrupted protein product. This variant is not present in population databases (ExAC no frequency). Loss-of-function variants in NSD1 are known to be pathogenic (PMID: 12464997, 14571271, 15942875, 16247291). For these reasons, this variant has been classified as Pathogenic.

Literature cited by the submitters: PubMed 12464997; PubMed 14571271; PubMed 15942875; PubMed 16247291.

NM_022455.5(NSD1):c.4124del (p.Val1375fs)

Gene: NSD1 (nuclear receptor binding SET domain protein 1; plus strand). Cytogenetic location: 5q35.3.
Variant type: Deletion.
Coding change: c.4124del on transcript NM_022455.5 (MANE Select); coding-DNA position 4124, one base deleted (T; older notation c.4124delT).
Protein change: p.Val1375fs; shifts the reading frame from valine 1375.
Molecular consequence: frameshift variant.
Genome position (GRCh38, 1-based): chr5:177,238,439, T deleted. VCF-style (leftmost placement, unchanged base first): chr5-177238438-GT-G. GRCh37 (hg19) VCF-style: chr5-176665439-GT-G.
Other names: c.3251delT, p.Val1084Glyfs (NM_001365684.2, NM_001409306.1, NM_001409307.1 and 3 more transcripts); c.4124delT, p.Val1375Glyfs (NM_001409301.1, NM_001409302.1, NM_001409303.1 and 1 more transcripts); c.3704delT, p.Val1235Glyfs (NM_001409304.1); c.3371delT, p.Val1124Glyfs (NM_001409305.1); short protein forms V1106fs, V1375fs.
Identifiers: ClinVar variation 964023 (VCV000964023.8), dbSNP rs1765618844, ClinGen allele CA1139659267.